The following is an entry in ClinVar:

NM_001903.5(CTNNA1):c.2689C>A (p.Leu897Ile)

Gene: CTNNA1 (catenin alpha 1; plus strand). Cytogenetic location: 5q31.2.
Variant type: single nucleotide variant.
Coding change: c.2689C>A on transcript NM_001903.5 (MANE Select); coding-DNA position 2689, C replaced by A.
Protein change: p.Leu897Ile; replaces leucine 897 with isoleucine.
Molecular consequence: missense variant. On other transcripts: 3 prime UTR variant (5).
Genome position (GRCh38, 1-based): chr5:138,934,057, C>A. VCF-style: chr5-138934057-C-A. GRCh37 (hg19) VCF-style: chr5-138269746-C-A.
Other names: c.1336C>A, p.Leu446Ile (NM_001324012.1, NM_001324013.1); c.*234C>A (NM_001290307.3, NM_001324002.1, NM_001324003.1 and 2 more transcripts); c.2380C>A, p.Leu794Ile (NM_001290309.3); c.2320C>A, p.Leu774Ile (NM_001290310.3); c.1579C>A, p.Leu527Ile (NM_001290312.1, NM_001323987.1, NM_001323988.1 and 12 more transcripts); c.2689C>A, p.Leu897Ile (NM_001323982.2, NM_001323983.1, NM_001323984.2); c.2662C>A, p.Leu888Ile (NM_001323985.2); c.2596C>A, p.Leu866Ile (NM_001323986.2); and 3 more; short protein forms L446I, L496I, L774I, L866I, L482I, L794I, L897I, L414I.
Identifiers: ClinVar variation 1470405 (VCV001470405.8), dbSNP rs2150360435, ClinGen allele CA361135778.

ClinVar aggregate classification (germline): Uncertain significance (1 of 4 stars; one submission).

Submission:

Labcorp Genetics (formerly Invitae), Labcorp
Classification: Uncertain significance. Last evaluated: 2021-01-07. Review status: criteria provided, single submitter. Criteria: Invitae Variant Classification Sherloc (09022015). Collection method: clinical testing. Allele origin: germline.
Comment: In summary, the available evidence is currently insufficient to determine the role of this variant in disease. Therefore, it has been classified as a Variant of Uncertain Significance. This sequence change replaces leucine with isoleucine at codon 897 of the CTNNA1 protein (p.Leu897Ile). The leucine residue is highly conserved and there is a small physicochemical difference between leucine and isoleucine. This variant is not present in population databases (ExAC no frequency). This variant has not been reported in the literature in individuals with CTNNA1-related conditions. Algorithms developed to predict the effect of missense changes on protein structure and function are either unavailable or do not agree on the potential impact of this missense change (SIFT: "Deleterious"; PolyPhen-2: "Probably Damaging"; Align-GVGD: "Class C0").